The following is an entry in ClinVar:

ClinVar aggregate classification (germline): Benign/Likely benign. Review status: criteria provided, multiple submitters, no conflicts (2 of 4 stars). 3 submissions from 3 submitters: Benign (1); Likely benign (2). Last evaluated 2025-12-20.

Conditions:
Hereditary cancer-predisposing syndrome. Also called: Tumor predisposition; Hereditary neoplastic syndrome; Neoplastic Syndromes, Hereditary; Hereditary Cancer Syndrome. Identifiers: Orphanet 140162, MedGen C0027672, MeSH D009386, MONDO:0015356.
Oligodontia-cancer predisposition syndrome. Also called: TOOTH AGENESIS-COLORECTAL CANCER SYNDROME. Identifiers: Orphanet 300576, MedGen C1837750, MONDO:0012075, OMIM 608615. Disease mechanism: loss of function.

Submissions (3):

Labcorp Genetics (formerly Invitae), Labcorp
Classification: Likely benign for Oligodontia-cancer predisposition syndrome. Last evaluated: 2025-12-20. Review status: criteria provided, single submitter. Criteria: Invitae Variant Classification Sherloc (09022015). Collection method: clinical testing. Allele origin: germline.

Myriad Genetics, Inc.
Classification: Benign for Oligodontia-cancer predisposition syndrome. Last evaluated: 2024-07-09. Review status: criteria provided, single submitter. Criteria: Myriad Autosomal Dominant, Autosomal Recessive and X-Linked Classification Criteria (2023). Collection method: clinical testing. Allele origin: unknown.
Comment: This variant is considered benign. This variant is a silent/synonymous amino acid change and it is not expected to impact splicing.

Ambry Genetics
Classification: Likely benign for Hereditary cancer-predisposing syndrome. Last evaluated: 2021-12-27. Review status: criteria provided, single submitter. Criteria: Ambry Variant Classification Scheme 2023. Collection method: clinical testing. Allele origin: germline.

NM_004655.4(AXIN2):c.2040C>T (p.Thr680=)

Gene: AXIN2 (axin 2; minus strand). Cytogenetic location: 17q24.1.
Variant type: single nucleotide variant.
Coding change: c.2040C>T on transcript NM_004655.4 (MANE Select); coding-DNA position 2040, C replaced by T.
Protein change: p.Thr680=; no amino-acid change (threonine 680 retained).
Molecular consequence: synonymous variant.
Genome position (GRCh38, 1-based): chr17:65,536,421, G>A on the plus strand (C>T on the coding strand, the complement: AXIN2 is on the minus strand). VCF-style: chr17-65536421-G-A. GRCh37 (hg19) VCF-style: chr17-63532539-G-A.
Other names: c.1845C>T, p.Thr615= (NM_001363813.1).
Identifiers: ClinVar variation 1078223 (VCV001078223.12), dbSNP rs900176493, ClinGen allele CA501690936.
Genomic context (GRCh38, chr17:65,536,421, plus strand): 5'-GGCCTCCTCCAGCTGAGCCAGCGTGTTGGGTGGGGTCAGGGGAGGCATCGCAGGGTCCTG[G>A]GTGAACAGGTGGGCACGGGGGGTGGTGCGGGGGTGCCCGCTGTTGCCCCCCCACAGATGG-3'
Protein context (NP_004646.3, residues 670-690): PRTTPRAHLF[Thr680=]QDPAMPPLTP